The following is an entry in ClinVar:

NM_004991.4(MECOM):c.797A>G (p.Lys266Arg)

Gene: MECOM (MDS1 and EVI1 complex locus; minus strand). Cytogenetic location: 3q26.2.
Variant type: single nucleotide variant.
Coding change: c.797A>G on transcript NM_004991.4 (MANE Select); coding-DNA position 797, A replaced by G.
Protein change: p.Lys266Arg; replaces lysine 266 with arginine.
Molecular consequence: missense variant.
Genome position (GRCh38, 1-based): chr3:169,127,877, T>C on the plus strand (A>G on the coding strand, the complement: MECOM is on the minus strand). VCF-style: chr3-169127877-T-C. GRCh37 (hg19) VCF-style: chr3-168845665-T-C.
Other names: c.425A>G, p.Lys142Arg (NM_001105077.4); c.233A>G, p.Lys78Arg (NM_001105078.4, NM_001163999.2, NM_001164000.2 and 9 more transcripts); c.797A>G, p.Lys266Arg (NM_001366466.2, NM_001366473.2); short protein forms K142R, K78R, K266R.
Identifiers: ClinVar variation 4624741 (VCV004624741.1).
Genomic context (GRCh38, chr3:169,127,877, plus strand): 5'-TGTATGGTACAACATGCCATTTCTAACCTTTGCAAATCAGGAAAAACTTGGTCACATTCC[T>C]TACACTCCTGGATCGTGTGTATCTCTTGGAGATCATTCTCGCTTTCGAGTTTTTGCTGAA-3'
Protein context (NP_004982.2, residues 256-276): LQEIHTIQEC[Lys266Arg]ECDQVFPDLQ

ClinVar aggregate classification (germline): Uncertain significance (1 of 4 stars; one submission).

Conditions:
Inborn genetic diseases. Identifiers: MedGen C0950123, MeSH D030342.

gnomAD v4.1: 2 of 1,614,014 alleles (0.00012%); highest among the groups gnomAD compares: African/African-American, 0.0013%; no homozygotes.

Submission:

Ambry Genetics
Classification: Uncertain significance for Inborn genetic diseases. Last evaluated: 2025-12-08. Review status: criteria provided, single submitter. Criteria: Ambry Variant Classification Scheme 2023. Collection method: clinical testing. Allele origin: germline.
Comment: The p.K266R variant (also known as c.797A>G), located in coding exon 5 of the MECOM gene, results from an A to G substitution at nucleotide position 797. The lysine at codon 266 is replaced by arginine, an amino acid with highly similar properties. This amino acid position is conserved. In addition, this alteration is predicted to be tolerated by in silico analysis. Based on the available evidence, the clinical significance of this variant remains unclear.